The following is an entry in ClinVar:

NM_000090.4(COL3A1):c.1762-6C>T

Gene: COL3A1 (collagen type III alpha 1 chain; plus strand). Cytogenetic location: 2q32.2.
Variant type: single nucleotide variant.
Coding change: c.1762-6C>T on transcript NM_000090.4 (MANE Select); 6 bases into the intron before coding-DNA position 1762, C replaced by T.
Molecular consequence: intron variant.
Genome position (GRCh38, 1-based): chr2:188,997,159, C>T. VCF-style: chr2-188997159-C-T. GRCh37 (hg19) VCF-style: chr2-189861885-C-T.
Identifiers: ClinVar variation 1158501 (VCV001158501.10), dbSNP rs2153502785, ClinGen allele CA2499215532.
Genomic context (GRCh38, chr2:188,997,159, plus strand): 5'-TGAGACAATAATATGATTAGTTATTGCCCTTTGAGGATTAGTAAATACCGACCACTTCTT[C>T]TTTAGGGTGCTCCTGGTAAGAATGGAGAACGAGGTGGCCCTGGAGGACCTGGCCCTCAGG-3'

ClinVar aggregate classification (germline): Likely benign. Review status: criteria provided, multiple submitters, no conflicts (2 of 4 stars). 2 submissions from 2 submitters: Likely benign (2). Last evaluated 2023-10-02.

Conditions:
Ehlers-Danlos syndrome, type 4 (EDSVASC). Also called: Ehlers-Danlos syndrome vascular type; Ehlers Danlos syndrome, ecchymotic type; Ehlers Danlos syndrome, arterial type; Ehlers Danlos syndrome, Sack-Barabas type; Ehlers-Danlos Syndrome Type IV. Identifiers: Orphanet 286, MedGen C0268338, MONDO:0017314, OMIM 130050.

Submissions (2):

All of Us Research Program, National Institutes of Health
Classification: Likely benign for Ehlers-Danlos syndrome, type 4. Last evaluated: 2023-10-02. Review status: criteria provided, single submitter. Criteria: ACMG Guidelines, 2015. Collection method: clinical testing. Allele origin: germline. Inheritance: Autosomal dominant inheritance. Observed: 3 variant alleles, 3 heterozygotes.
Comment: This study involves interpretation of variants in research participants for the purpose of population health screening. Participant phenotype was not available at the time of variant classification. Additional details can be found in publication PMID: 35346344, PMCID: PMC8962531

Labcorp Genetics (formerly Invitae), Labcorp
Classification: Likely benign for Ehlers-Danlos syndrome, type 4. Last evaluated: 2019-04-05. Review status: criteria provided, single submitter. Criteria: Invitae Variant Classification Sherloc (09022015). Collection method: clinical testing. Allele origin: germline.